The following is an entry in ClinVar:

NM_000443.4(ABCB4):c.2405G>A (p.Trp802Ter)

Gene: ABCB4 (ATP binding cassette subfamily B member 4; minus strand). Cytogenetic location: 7q21.12.
Variant type: single nucleotide variant.
Coding change: c.2405G>A on transcript NM_000443.4 (MANE Select); coding-DNA position 2405, G replaced by A.
Protein change: p.Trp802Ter; replaces tryptophan 802 with a stop codon.
Molecular consequence: nonsense.
Genome position (GRCh38, 1-based): chr7:87,418,610, C>T on the plus strand (G>A on the coding strand, the complement: ABCB4 is on the minus strand). VCF-style: chr7-87418610-C-T. GRCh37 (hg19) VCF-style: chr7-87047926-C-T.
Other names: c.2405G>A, p.Trp802Ter (NM_018849.3, NM_018850.3); short protein forms W802*.
Identifiers: ClinVar variation 4983822 (VCV004983822.1).

ClinVar aggregate classification (germline): Likely pathogenic (1 of 4 stars; one submission).

Conditions:
ABCB4-related disorder. Also called: ABCB4-related disorders; ABCB4-related condition.

Submission:

PreventionGenetics, part of Exact Sciences
Classification: Likely pathogenic for ABCB4-related condition. Last evaluated: 2026-05-26. Review status: criteria provided, single submitter. Criteria: ACMG Guidelines, 2015. Collection method: clinical testing. Allele origin: germline.
Comment: The ABCB4 c.2405G>A variant is predicted to result in premature protein termination (p.Trp802*). To our knowledge, this variant has not been reported in the literature or in a large population database (gnomAD), indicating this variant is rare. Nonsense variants in ABCB4 are expected to be pathogenic. This variant is interpreted as likely pathogenic.